The following is an entry in ClinVar:

NM_000518.5(HBB):c.316-2A>C

Genes: HBB (hemoglobin subunit beta; minus strand), LOC107133510 (origin of replication at HBB; plus strand), LOC110006319 (beta-globin gene 3' regulatory region; plus strand). Cytogenetic location: 11p15.4.
Variant type: single nucleotide variant.
Coding change: c.316-2A>C on transcript NM_000518.5 (MANE Select); the canonical splice acceptor site of the intron before coding-DNA position 316, A replaced by C.
Molecular consequence: splice acceptor variant.
Genome position (GRCh38, 1-based): chr11:5,225,728, T>G on the plus strand (A>C on the coding strand, the complement: HBB is on the minus strand). VCF-style: chr11-5225728-T-G. GRCh37 (hg19) VCF-style: chr11-5246958-T-G.
Other names: IVS11-849A>C; IVS II-849 (A>C); IVS2, A-C, -2.
Identifiers: ClinVar variation 21190 (VCV000021190.17), dbSNP rs33914668, ClinGen allele CA341710.
Genomic context (GRCh38, chr11:5,225,728, plus strand): 5'-GGGGTGAATTCTTTGCCAAAGTGATGGGCCAGCACACAGACCAGCACGTTGCCCAGGAGC[T>G]GTGGGAGGAAGATAAGAGGTATGAACATGATTAGCAAAAGGGCCTAGCTTGGACTCAGAA-3'

ClinVar aggregate classification (germline): Pathogenic. Review status: criteria provided, multiple submitters, no conflicts (2 of 4 stars). 8 submissions from 8 submitters: Pathogenic (5). 3 of the submissions do not count toward it. Last evaluated 2025-02-03.

Conditions:
Beta-thalassemia major. Identifiers: Orphanet 231214, MedGen C0002875, MONDO:0016486.
Beta zero thalassemia. Identifiers: MedGen C0271980.
beta Thalassemia (BTHAL). Also called: Cooley's anemia; Erythroblastic anemia; Mediterranean anemia. Identifiers: Orphanet 848, MedGen C0005283, MONDO:0019402. Disease mechanism: loss of function.

Submissions (8):

ARUP Laboratories, Molecular Genetics and Genomics, ARUP Laboratories
Classification: Pathogenic. Last evaluated: 2025-02-03. Review status: criteria provided, single submitter. Criteria: ARUP Molecular Germline Variant Investigation Process 2024. Collection method: clinical testing. Allele origin: germline.
Comment: The HBB c.316-2A>C variant (also known as IVS-II-849 (A->C), rs33914668, HbVar ID: 939) is reported in the literature in individuals affected with beta (0) thalassemia in the homozygous state (Chouk 2004, Fattoum 2004) and in an individual with HbS-beta (0) thalassemia in the compound heterozygous state with Hb S (HbVar database and references therein). This variant is also reported in ClinVar (Variation ID: 21190), but is absent from the Genome Aggregation Database, indicating it is not a common polymorphism. This variant disrupts the canonical splice acceptor site of intron 2, which is likely to negatively impact gene function. Based on available information, this variant is considered to be pathogenic. References: Link to HbVar database: Chouk I et al. Contribution to the description of the beta-thalassemia spectrum in Tunisia and the origin of mutation diversity. Hemoglobin. 2004 Aug;28(3):189-95. PMID: 15481885. Fattoum S et al. Molecular basis of beta-thalassemia in the population of Tunisia. Hemoglobin. 2004 Aug;28(3):177-87. PMID: 15481884.

Natera, Inc.
Classification: Pathogenic for Beta thalassemia. Last evaluated: 2024-12-01. Review status: criteria provided, single submitter. Criteria: Natera Variant Classification Schema (03/2026). Collection method: clinical testing. Allele origin: germline.
Comment: The c.316-2A>C variant in HBB is a canonical splice acceptor site variant predicted to affect pre-mRNA splicing, which may result in an abnormal transcript and altered protein product. This variant may result in a truncated or dysfunctional protein product. This variant is rare in the general population with a frequency below the threshold expected for the associated phenotype(s). This variant has been observed in one or more individuals affected with the associated recessive disease, as either homozygous or compound heterozygous with a second variant (PMID: 2917118, 38519604, 15481884). Another variant at this same site results in an alteration predicted to cause a similar molecular effect has been observed in individual(s) with the associated phenotype. Given the available evidence, this variant is classified as Pathogenic.

Labcorp Genetics (formerly Invitae), Labcorp
Classification: Pathogenic. Last evaluated: 2022-06-14. Review status: criteria provided, single submitter. Criteria: Invitae Variant Classification Sherloc (09022015). Collection method: clinical testing. Allele origin: germline.
Comment: This sequence change affects an acceptor splice site in intron 2 of the HBB gene. While this variant is not anticipated to result in nonsense mediated decay, it likely alters RNA splicing and results in a disrupted protein product. This variant is not present in population databases (gnomAD no frequency). Disruption of this splice site has been observed in individuals with beta thalassemia (PMID: 2123063, 6583702). It has also been observed to segregate with disease in related individuals. ClinVar contains an entry for this variant (Variation ID: 21190). Variants that disrupt the consensus splice site are a relatively common cause of aberrant splicing (PMID: 17576681, 9536098). Studies have shown that disruption of this splice site is associated with altered splicing resulting in unknown protein product impact (PMID: 6583702). For these reasons, this variant has been classified as Pathogenic.

Women's Health and Genetics/Laboratory Corporation of America, LabCorp
Classification: Pathogenic for Beta-thalassemia major. Last evaluated: 2022-03-10. Review status: criteria provided, single submitter. Criteria: LabCorp Variant Classification Summary - May 2015. Collection method: clinical testing. Allele origin: germline.
Comment: Variant summary: HBB c.316-2A>C (also known as IVS II-849A>C in the literature) is located in a canonical splice-site and is predicted to affect mRNA splicing resulting in a significantly altered protein due to either exon skipping, shortening, or inclusion of intronic material. Several computational tools predict a significant impact on normal splicing: Four predict the variant abolishes a canonical 3 prime acceptor site. However, these predictions have yet to be confirmed by functional studies. Blot hybridization analysis of RNA prepared from the erythoid cells of the patient who carried the variant and was diagnosed with HbS-beta0 thalassemia showed only RNA of normal size. The authors postulated that this may be attributed to the rapid degradation of the abnormal RNA or to the complete absence of an abnormally processed RNA (Padanilam et al, 1986). The variant was absent in 251048 control chromosomes (gnomAD). c.316-2A>C has been reported in the literature in at least an individual affected with Beta Thalassemia Major (Chouk_2004, Padanilam_1986). These data indicate that the variant is very likely to be associated with disease.Three clinical diagnostic laboratories have submitted clinical-significance assessments for this variant to ClinVar after 2014 and all classified the variant as pathogenic. Based on the evidence outlined above, the variant was classified as pathogenic.

Quest Diagnostics Nichols Institute San Juan Capistrano
Classification: Pathogenic. Last evaluated: 2021-11-08. Review status: criteria provided, single submitter. Criteria: Quest Diagnostics criteria. Collection method: clinical testing. Allele origin: unknown.
Comment: This variant (also known as IVS-II-849 (A>C)) is located in the canonical splice-acceptor site of intron 2 of the HBB gene, and disrupts normal splicing of the beta-globin mRNA. The variant is associated with beta(0)-thalassemia (PMID: 2424301 (1986)). It has not been reported in large, multi-ethnic general populations. Based on the available information, this variant is classified as pathogenic.

The ITHANET community portal, The Cyprus Institute of Neurology and Genetics
Classification: Pathogenic for beta Thalassemia. Last evaluated: 2019-11-25. Review status: no assertion criteria provided. Collection method: curation. Allele origin: germline. Not counted in ClinVar's aggregate classification.

OMIM
Classification: Pathogenic for BETA-ZERO-THALASSEMIA. Last evaluated: 1986-07-01. Review status: no assertion criteria provided. Collection method: literature only. Allele origin: germline. Not counted in ClinVar's aggregate classification.

GeneReviews
No classification provided. Condition: beta Thalassemia. Review status: no classification provided. Collection method: literature only. Allele origin: germline. Not counted in ClinVar's aggregate classification.

Literature cited by the submitters: PubMed 2917118 (cited by Natera, Inc.); PubMed 38519604 (cited by Natera, Inc.); PubMed 15481884 (cited by Natera, Inc. and Quest Diagnostics Nichols Institute San Juan Capistrano); PubMed 2123063 (cited by Labcorp Genetics (formerly Invitae), Labcorp); PubMed 6583702 (cited by Labcorp Genetics (formerly Invitae), Labcorp); PubMed 17576681 (cited by Labcorp Genetics (formerly Invitae), Labcorp); PubMed 9536098 (cited by Labcorp Genetics (formerly Invitae), Labcorp); PubMed 2424301 (cited by 4 submitters); PubMed 15481885 (cited by Women's Health and Genetics/Laboratory Corporation of America, LabCorp); PubMed 22975760 (cited by Quest Diagnostics Nichols Institute San Juan Capistrano); PubMed 22738642 (cited by Quest Diagnostics Nichols Institute San Juan Capistrano); NCBI Bookshelf NBK1426 (cited by GeneReviews).